The following is an entry in ClinVar:

ClinVar aggregate classification (germline): Uncertain significance. Review status: criteria provided, multiple submitters, no conflicts (2 of 4 stars). 4 submissions from 4 submitters: Uncertain significance (4). Last evaluated 2022-08-10.

Conditions:
Amish lethal microcephaly (MCPHA). Also called: THIAMINE METABOLISM DYSFUNCTION SYNDROME 3 (MICROCEPHALY TYPE); MICROCEPHALY, AMISH TYPE. Identifiers: Orphanet 99742, MedGen C1846648, MONDO:0011790, OMIM 607196.
Progressive demyelinating neuropathy with bilateral striatal necrosis (THMD4). Also called: Thiamine metabolism dysfunction syndrome 4 (progressive polyneuropathy type); Thiamine Metabolism Dysfunction Syndrome 4 (THMD-4); BILATERAL STRIATAL DEGENERATION AND PROGRESSIVE POLYNEUROPATHY. Identifiers: Orphanet 217396, MedGen C3150973, MONDO:0013382, OMIM 613710.

Allele frequency attached by ClinVar (database versions not stated): gnomAD 0.00006 and 0.00005; gnomAD exomes 0.00007 and 0.00004; TOPMed 0.00006; ExAC 0.00007.
gnomAD v4.1: 82 of 1,614,034 alleles (0.0051%); highest among the groups gnomAD compares: Middle Eastern, 0.049%; no homozygotes.

Submissions (4):

Labcorp Genetics (formerly Invitae), Labcorp
Classification: Uncertain significance. Last evaluated: 2022-08-10. Review status: criteria provided, single submitter. Criteria: Invitae Variant Classification Sherloc (09022015). Collection method: clinical testing. Allele origin: germline.
Comment: This sequence change replaces serine, which is neutral and polar, with alanine, which is neutral and non-polar, at codon 25 of the SLC25A19 protein (p.Ser25Ala). This variant is present in population databases (rs777474053, gnomAD 0.01%). This variant has not been reported in the literature in individuals affected with SLC25A19-related conditions. ClinVar contains an entry for this variant (Variation ID: 436748). Algorithms developed to predict the effect of missense changes on protein structure and function output the following: SIFT: "Tolerated"; PolyPhen-2: "Benign"; Align-GVGD: "Class C0". The alanine amino acid residue is found in multiple mammalian species, which suggests that this missense change does not adversely affect protein function. In summary, the available evidence is currently insufficient to determine the role of this variant in disease. Therefore, it has been classified as a Variant of Uncertain Significance.

GeneDx
Classification: Uncertain significance. Last evaluated: 2019-04-01. Review status: criteria provided, single submitter. Criteria: GeneDx Variant Classification Process June 2021. Collection method: clinical testing. Allele origin: germline. Affected: yes.
Comment: Not observed at a significant frequency in large population cohorts (Lek et al., 2016); In silico analysis, which includes protein predictors and evolutionary conservation, supports that this variant does not alter protein structure/function; Has not been previously published as pathogenic or benign to our knowledge

Fulgent Genetics
Classification: Uncertain significance for Amish lethal microcephaly; Progressive demyelinating neuropathy with bilateral striatal necrosis. Last evaluated: 2018-10-31. Review status: criteria provided, single submitter. Criteria: ACMG Guidelines, 2015. Collection method: clinical testing. Allele origin: unknown.

Genetic Services Laboratory, University of Chicago
Classification: Uncertain significance. Last evaluated: 2015-11-04. Review status: criteria provided, single submitter. Criteria: ACMG Guidelines, 2015. Collection method: clinical testing. Allele origin: germline. Affected: no.

NM_001126121.2(SLC25A19):c.73T>G (p.Ser25Ala)

Gene: SLC25A19 (solute carrier family 25 member 19; minus strand). Cytogenetic location: 17q25.1.
Variant type: single nucleotide variant.
Coding change: c.73T>G on transcript NM_001126121.2 (MANE Select); coding-DNA position 73, T replaced by G.
Protein change: p.Ser25Ala; replaces serine 25 with alanine.
Molecular consequence: missense variant.
Genome position (GRCh38, 1-based): chr17:75,286,692, A>C on the plus strand (T>G on the coding strand, the complement: SLC25A19 is on the minus strand). VCF-style: chr17-75286692-A-C. GRCh37 (hg19) VCF-style: chr17-73282773-A-C.
Other names: c.73T>G, p.Ser25Ala (NM_001126122.2, NM_021734.5); short protein forms S25A.
Identifiers: ClinVar variation 436748 (VCV000436748.11), dbSNP rs777474053, ClinGen allele CA8761108.